The following is an entry in ClinVar:

NM_001184880.2(PCDH19):c.374A>G (p.Asn125Ser)

Gene: PCDH19 (protocadherin 19; minus strand). Cytogenetic location: Xq22.1.
Variant type: single nucleotide variant.
Coding change: c.374A>G on transcript NM_001184880.2 (MANE Select); coding-DNA position 374, A replaced by G.
Protein change: p.Asn125Ser; replaces asparagine 125 with serine.
Molecular consequence: missense variant.
Genome position (GRCh38, 1-based): chrX:100,408,224, T>C on the plus strand (A>G on the coding strand, the complement: PCDH19 is on the minus strand). VCF-style: chrX-100408224-T-C. GRCh37 (hg19) VCF-style: chrX-99663222-T-C.
Other names: c.374A>G, p.Asn125Ser (NM_001105243.2, NM_020766.3); short protein forms N125S.
Identifiers: ClinVar variation 93676 (VCV000093676.13), dbSNP rs398123603, ClinGen allele CA221632.
Genomic context (GRCh38, chrX:100,408,224, plus strand): 5'-CCAGGGCTGGCTGCCTCCGAGATCTCCAGCTCGATCTGTGCTGCCGGGAAACTGGGCGCA[T>C]TGTCGTTCAGGTCCTTGATCTCCACCTTTATCACGCAGATTTCCATTGAGCTGGACATGA-3'
Protein context (NP_001171809.1, residues 115-135): IKVEIKDLND[Asn125Ser]APSFPAAQIE

ClinVar aggregate classification (germline): Pathogenic/Likely pathogenic. Review status: criteria provided, multiple submitters, no conflicts (2 of 4 stars). 2 submissions from 2 submitters: Pathogenic (1); Likely pathogenic (1). Last evaluated 2022-02-08.

Conditions:
Developmental and epileptic encephalopathy, 9 (DEE9). Also called: Early infantile epileptic encephalopathy 9; JUBERG-HELLMAN SYNDROME; EPILEPSY, FEMALE-RESTRICTED, WITH MENTAL RETARDATION; PCDH19-Related X-Linked Female-Limited Epilepsy with Mental Retardation. Identifiers: Orphanet 101039, Orphanet 2076, MedGen C1848137, MONDO:0010246, OMIM 300088. Disease mechanism: loss of function.

Submissions (2):

Labcorp Genetics (formerly Invitae), Labcorp
Classification: Pathogenic for Developmental and epileptic encephalopathy, 9. Last evaluated: 2022-02-08. Review status: criteria provided, single submitter. Criteria: Invitae Variant Classification Sherloc (09022015). Collection method: clinical testing. Allele origin: germline.
Comment: Advanced modeling of protein sequence and biophysical properties (such as structural, functional, and spatial information, amino acid conservation, physicochemical variation, residue mobility, and thermodynamic stability) performed at Invitae indicates that this missense variant is expected to disrupt PCDH19 protein function. Algorithms developed to predict the effect of sequence changes on RNA splicing suggest that this variant may create or strengthen a splice site. For these reasons, this variant has been classified as Pathogenic. This sequence change replaces asparagine, which is neutral and polar, with serine, which is neutral and polar, at codon 125 of the PCDH19 protein (p.Asn125Ser). ClinVar contains an entry for this variant (Variation ID: 93676). This missense change has been observed in individual(s) with clinical features of PCDH19-related conditions (PMID: 31901402; Invitae). In at least one individual the variant was observed to be de novo. This variant is not present in population databases (gnomAD no frequency).

Eurofins Ntd Llc (ga)
Classification: Likely pathogenic. Last evaluated: 2014-03-21. Review status: criteria provided, single submitter. Criteria: EGL Classification Definitions 2015. Collection method: clinical testing. Allele origin: germline. Observed: 1 variant allele, 1 heterozygote.

Literature cited by the submitters: PubMed 31901402 (cited by Labcorp Genetics (formerly Invitae), Labcorp).